The following is an entry in ClinVar:

NM_015459.5(ATL3):c.642T>C (p.Asp214=)

Genes: ATL3 (atlastin GTPase 3; minus strand), LNCROPM (lncRNA regulator of PLAAT3 mediated phospholipid metabolism; plus strand). Cytogenetic location: 11q13.1.
Variant type: single nucleotide variant.
Coding change: c.642T>C on transcript NM_015459.5 (MANE Select); coding-DNA position 642, T replaced by C.
Protein change: p.Asp214=; no amino-acid change (aspartic acid 214 retained).
Molecular consequence: synonymous variant.
Genome position (GRCh38, 1-based): chr11:63,644,238, A>G on the plus strand (T>C on the coding strand, the complement: ATL3 is on the minus strand). VCF-style: chr11-63644238-A-G. GRCh37 (hg19) VCF-style: chr11-63411710-A-G.
Other names: c.588T>C, p.Asp196= (NM_001290048.2).
Identifiers: ClinVar variation 474840 (VCV000474840.15), dbSNP rs151040560, ClinGen allele CA6063718.

ClinVar aggregate classification (germline): Benign/Likely benign. Review status: criteria provided, multiple submitters, no conflicts (2 of 4 stars). 3 submissions from 3 submitters: Benign (1); Likely benign (2). Last evaluated 2026-09-23.

Conditions:
ATL3-related disorder. Also called: ATL3-related condition.
Inborn genetic diseases. Identifiers: MedGen C0950123, MeSH D030342.
Neuropathy, hereditary sensory, type 1F. Also called: HSN IF; Hereditary sensory neuropathy type IF. Identifiers: Orphanet 36386, MedGen C3810194, MONDO:0014286, OMIM 615632.

Allele frequency attached by ClinVar (database versions not stated): gnomAD exomes 0.00009 and 0.00040; gnomAD 0.00017 and 0.00028; 1000 Genomes Project 0.00240; 1000 Genomes Project 30x 0.00250; TOPMed 0.00023; ExAC 0.00037.
gnomAD v4.1: 206 of 1,607,996 alleles (0.013%); highest among the groups gnomAD compares: East Asian, 0.27%; 1 homozygote.

Submissions (3):

PreventionGenetics, part of Exact Sciences
Classification: Likely benign for ATL3-related condition. Last evaluated: 2026-09-23. Review status: criteria provided, single submitter. Criteria: ACMG Guidelines, 2015. Collection method: clinical testing. Allele origin: germline.
Comment: This variant is classified as likely benign based on ACMG/AMP sequence variant interpretation guidelines (Richards et al. 2015 PMID: 25741868, with internal and published modifications).

Labcorp Genetics (formerly Invitae), Labcorp
Classification: Benign for Neuropathy, hereditary sensory, type 1F. Last evaluated: 2025-12-14. Review status: criteria provided, single submitter. Criteria: Invitae Variant Classification Sherloc (09022015). Collection method: clinical testing. Allele origin: germline.

Ambry Genetics
Classification: Likely benign for Inborn genetic diseases. Last evaluated: 2019-07-11. Review status: criteria provided, single submitter. Criteria: Ambry Variant Classification Scheme 2023. Collection method: clinical testing. Allele origin: germline.